The following is an entry in ClinVar:

NM_005219.5(DIAPH1):c.2197C>T (p.Pro733Ser)

Gene: DIAPH1 (diaphanous related formin 1; minus strand). Cytogenetic location: 5q31.3.
Variant type: single nucleotide variant.
Coding change: c.2197C>T on transcript NM_005219.5 (MANE Select); coding-DNA position 2197, C replaced by T.
Protein change: p.Pro733Ser; replaces proline 733 with serine.
Molecular consequence: missense variant.
Genome position (GRCh38, 1-based): chr5:141,573,653, G>A on the plus strand (C>T on the coding strand, the complement: DIAPH1 is on the minus strand). VCF-style: chr5-141573653-G-A. GRCh37 (hg19) VCF-style: chr5-140953220-G-A.
Other names: c.2170C>T, p.Pro724Ser (NM_001079812.3); c.2197C>T, p.Pro733Ser (NM_001314007.2); short protein forms P733S, P724S.
Identifiers: ClinVar variation 2924679 (VCV002924679.3), dbSNP rs2154596277, ClinGen allele CA361517369.

ClinVar aggregate classification (germline): Uncertain significance (1 of 4 stars; one submission).

Conditions:
Progressive microcephaly-seizures-cortical blindness-developmental delay syndrome. Also called: Seizures, cortical blindness, and microcephaly syndrome. Identifiers: Orphanet 477814, MedGen C5567650, MONDO:0014714, OMIM 616632.
Autosomal dominant nonsyndromic hearing loss 1. Also called: DEAFNESS, AUTOSOMAL DOMINANT 1, WITH OR WITHOUT THROMBOCYTOPENIA; KONIGSMARK SYNDROME. Identifiers: Orphanet 90635, MedGen C1852282, MONDO:0007424, OMIM 124900.

gnomAD v4.1: 1 of 1,612,772 alleles (0.000062%); no homozygotes.

Submission:

Labcorp Genetics (formerly Invitae), Labcorp
Classification: Uncertain significance for Progressive microcephaly-seizures-cortical blindness-developmental delay syndrome; Autosomal dominant nonsyndromic hearing loss 1. Last evaluated: 2025-04-02. Review status: criteria provided, single submitter. Criteria: Invitae Variant Classification Sherloc (09022015). Collection method: clinical testing. Allele origin: germline.
Comment: This sequence change replaces proline, which is neutral and non-polar, with serine, which is neutral and polar, at codon 733 of the DIAPH1 protein (p.Pro733Ser). This variant is not present in population databases (gnomAD no frequency). This variant has not been reported in the literature in individuals affected with DIAPH1-related conditions. ClinVar contains an entry for this variant (Variation ID: 2924679). An algorithm developed to predict the effect of missense changes on protein structure and function outputs the following: PolyPhen-2: "Not Available". The serine amino acid residue is found in multiple mammalian species, which suggests that this missense change does not adversely affect protein function. In summary, the available evidence is currently insufficient to determine the role of this variant in disease. Therefore, it has been classified as a Variant of Uncertain Significance.